The following is an entry in ClinVar:

ClinVar aggregate classification (germline): Uncertain significance. Review status: criteria provided, multiple submitters, no conflicts (2 of 4 stars). 2 submissions from 2 submitters: Uncertain significance (2). Last evaluated 2025-01-24.

Conditions:
Genitopatellar syndrome (GTPTS). Also called: Genitopatellar syndrome (GPS); ABSENT PATELLAE, SCROTAL HYPOPLASIA, RENAL ANOMALIES, FACIAL DYSMORPHISM, AND MENTAL RETARDATION. Identifiers: Orphanet 85201, MedGen C1853566, MONDO:0011640, OMIM 606170.

Allele frequency attached by ClinVar (database versions not stated): gnomAD 0.00001; gnomAD exomes 0.00001; TOPMed 0.00001.
gnomAD v4.1: 17 of 1,614,112 alleles (0.0011%); highest among the groups gnomAD compares: East Asian, 0.0022%; no homozygotes.

Submissions (2):

Labcorp Genetics (formerly Invitae), Labcorp
Classification: Uncertain significance for Genitopatellar syndrome. Last evaluated: 2025-01-24. Review status: criteria provided, single submitter. Criteria: Invitae Variant Classification Sherloc (09022015). Collection method: clinical testing. Allele origin: germline.
Comment: This sequence change replaces threonine, which is neutral and polar, with alanine, which is neutral and non-polar, at codon 1175 of the KAT6B protein (p.Thr1175Ala). This variant is not present in population databases (gnomAD no frequency). This variant has not been reported in the literature in individuals affected with KAT6B-related conditions. ClinVar contains an entry for this variant (Variation ID: 1063991). Invitae Evidence Modeling of protein sequence and biophysical properties (such as structural, functional, and spatial information, amino acid conservation, physicochemical variation, residue mobility, and thermodynamic stability) indicates that this missense variant is not expected to disrupt KAT6B protein function with a negative predictive value of 80%. In summary, the available evidence is currently insufficient to determine the role of this variant in disease. Therefore, it has been classified as a Variant of Uncertain Significance.

GeneDx
Classification: Uncertain significance. Last evaluated: 2022-11-10. Review status: criteria provided, single submitter. Criteria: GeneDx Variant Classification Process June 2021. Collection method: clinical testing. Allele origin: germline. Affected: yes.
Comment: Not observed at significant frequency in large population cohorts (gnomAD); In silico analysis supports that this missense variant has a deleterious effect on protein structure/function; Has not been previously published as pathogenic or benign to our knowledge

NM_012330.4(KAT6B):c.3523A>G (p.Thr1175Ala)

Gene: KAT6B (lysine acetyltransferase 6B; plus strand). Cytogenetic location: 10q22.2.
Variant type: single nucleotide variant.
Coding change: c.3523A>G on transcript NM_012330.4 (MANE Select); coding-DNA position 3523, A replaced by G.
Protein change: p.Thr1175Ala; replaces threonine 1175 with alanine.
Molecular consequence: missense variant.
Genome position (GRCh38, 1-based): chr10:75,025,108, A>G. VCF-style: chr10-75025108-A-G. GRCh37 (hg19) VCF-style: chr10-76784866-A-G.
Other names: c.3523A>G (NM_012330.3); c.2974A>G, p.Thr992Ala (NM_001256468.2, NM_001370138.1); c.2647A>G, p.Thr883Ala (NM_001256469.2, NM_001370139.1, NM_001370140.1 and 2 more transcripts); c.2485A>G, p.Thr829Ala (NM_001370132.1); c.1834A>G, p.Thr612Ala (NM_001370133.1); c.1438A>G, p.Thr480Ala (NM_001370134.1); c.1180A>G, p.Thr394Ala (NM_001370135.1); c.3523A>G, p.Thr1175Ala (NM_001370136.1, NM_001370137.1); and 1 more; short protein forms T1175A, T394A, T480A, T612A, T820A, T829A, T883A, T992A.
Identifiers: ClinVar variation 1063991 (VCV001063991.10), dbSNP rs1389778097, ClinGen allele CA377287951.